The following is an entry in ClinVar:

NM_000587.4(C7):c.941G>A (p.Arg314Lys)

Gene: C7 (complement C7; plus strand). Cytogenetic location: 5p13.1.
Variant type: single nucleotide variant.
Coding change: c.941G>A on transcript NM_000587.4 (MANE Select); coding-DNA position 941, G replaced by A.
Protein change: p.Arg314Lys; replaces arginine 314 with lysine.
Molecular consequence: missense variant.
Genome position (GRCh38, 1-based): chr5:40,947,804, G>A. VCF-style: chr5-40947804-G-A. GRCh37 (hg19) VCF-style: chr5-40947906-G-A.
Other names: short protein forms R314K.
Identifiers: ClinVar variation 1493964 (VCV001493964.7), dbSNP rs1338856752, ClinGen allele CA359583143.

ClinVar aggregate classification (germline): Uncertain significance (1 of 4 stars; one submission).

Allele frequency attached by ClinVar (database versions not stated): gnomAD 0.00001; gnomAD exomes 0.00001; TOPMed 0.00002.
gnomAD v4.1: 14 of 1,613,212 alleles (0.00087%); highest among the groups gnomAD compares: African/African-American, 0.0013%; no homozygotes.

Submission:

Labcorp Genetics (formerly Invitae), Labcorp
Classification: Uncertain significance. Last evaluated: 2024-08-09. Review status: criteria provided, single submitter. Criteria: Invitae Variant Classification Sherloc (09022015). Collection method: clinical testing. Allele origin: germline.
Comment: This sequence change replaces arginine, which is basic and polar, with lysine, which is basic and polar, at codon 314 of the C7 protein (p.Arg314Lys). This variant is present in population databases (no rsID available, gnomAD 0.0009%). This variant has not been reported in the literature in individuals affected with C7-related conditions. ClinVar contains an entry for this variant (Variation ID: 1493964). Advanced modeling of protein sequence and biophysical properties (such as structural, functional, and spatial information, amino acid conservation, physicochemical variation, residue mobility, and thermodynamic stability) performed at Invitae indicates that this missense variant is not expected to disrupt C7 protein function with a negative predictive value of 80%. In summary, the available evidence is currently insufficient to determine the role of this variant in disease. Therefore, it has been classified as a Variant of Uncertain Significance.